The following is an entry in ClinVar:

ClinVar aggregate classification (germline): Benign/Likely benign. Review status: criteria provided, multiple submitters, no conflicts (2 of 4 stars). 11 submissions from 10 submitters: Benign (10); Likely benign (1). Last evaluated 2026-02-04.

Conditions:
Aicardi-Goutieres syndrome 7 (AGS7). Identifiers: Orphanet 51, MedGen C3888244, MONDO:0014367, OMIM 615846.
Singleton-Merten syndrome 1 (SGMRT1). Also called: Widened medullary cavities of bone, aortic calcification, abnormal dentition, and muscular weakness; Syndrome of widened medullary cavities of the metacarpals and phalanges, aortic calcification and abnormal dentition. Identifiers: Orphanet 85191, MedGen C4225427, MONDO:0024535, OMIM 182250.

Allele frequency attached by ClinVar (database versions not stated): 1000 Genomes Project 0.58986; ExAC 0.67622; gnomAD 0.67702 and 0.68382; gnomAD exomes 0.67751 and 0.70233; TOPMed 0.68688; ESP Exome Variant Server 0.69160.
gnomAD v4.1: 1,127,193 of 1,612,150 alleles (70%); highest among the groups gnomAD compares: Admixed American, 80%; 399,290 homozygotes.

Submissions (11):

Labcorp Genetics (formerly Invitae), Labcorp
Classification: Benign for Aicardi-Goutieres syndrome 7; Singleton-Merten syndrome 1. Last evaluated: 2026-02-04. Review status: criteria provided, single submitter. Criteria: Invitae Variant Classification Sherloc (09022015). Collection method: clinical testing. Allele origin: germline.

Women's Health and Genetics/Laboratory Corporation of America, LabCorp
Classification: Benign. Last evaluated: 2026-01-21. Review status: criteria provided, single submitter. Criteria: LabCorp Variant Classification Summary - May 2015. Collection method: clinical testing. Allele origin: germline.

Blueprint Genetics
Classification: Likely benign. Last evaluated: 2024-11-26. Review status: criteria provided, single submitter. Criteria: ACMG Guidelines, 2015. Collection method: clinical testing. Allele origin: germline.

Unidad de Genómica Garrahan, Hospital de Pediatría Garrahan
Classification: Benign. Last evaluated: 2023-11-12. Review status: criteria provided, single submitter. Criteria: ACMG Guidelines, 2015. Collection method: clinical testing. Allele origin: germline. Affected: no. Observed: 88 variant alleles.
Comment: This variant is classified as Benign based on local population frequency. This variant was detected in 92% of patients studied by a panel of primary immunodeficiencies. Number of patients: 88. Only high quality variants are reported.

Mayo Clinic Laboratories, Mayo Clinic
Classification: Benign. Last evaluated: 2023-07-21. Review status: criteria provided, single submitter. Criteria: ACMG Guidelines, 2015. Collection method: clinical testing. Allele origin: germline. Observed: 766 variant alleles.
Comment: BA1, BS2, BP4

Genome-Nilou Lab
Classification: Benign for Aicardi-Goutieres syndrome 7. Last evaluated: 2021-08-10. Review status: criteria provided, single submitter. Criteria: ACMG Guidelines, 2015. Collection method: clinical testing. Allele origin: germline. Affected: no.

Genome-Nilou Lab
Classification: Benign for Singleton-Merten syndrome 1. Last evaluated: 2021-08-10. Review status: criteria provided, single submitter. Criteria: ACMG Guidelines, 2015. Collection method: clinical testing. Allele origin: germline. Affected: no.

GeneDx
Classification: Benign. Last evaluated: 2021-03-18. Review status: criteria provided, single submitter. Criteria: GeneDx Variant Classification Process June 2021. Collection method: clinical testing. Allele origin: germline. Affected: yes.
Comment: This variant is associated with the following publications: (PMID: 31866997, 27720759, 17000706, 23535865)

Mendelics
Classification: Benign for Singleton-Merten syndrome 1. Last evaluated: 2019-05-28. Review status: criteria provided, single submitter. Criteria: Mendelics Assertion Criteria 2017. Collection method: clinical testing. Allele origin: unknown.

Breakthrough Genomics
Classification: Benign. Review status: criteria provided, single submitter. Criteria: ACMG Guidelines, 2015. Collection method: not provided. Allele origin: germline. Inheritance: Autosomal recessive inheritance. Affected: yes.

PreventionGenetics, part of Exact Sciences
Classification: Benign. Review status: criteria provided, single submitter. Criteria: ACMG Guidelines, 2015. Collection method: clinical testing. Allele origin: germline.

NM_022168.4(IFIH1):c.2528A>G (p.His843Arg)

Gene: IFIH1 (interferon induced with helicase C domain 1; minus strand). Cytogenetic location: 2q24.2.
Variant type: single nucleotide variant.
Coding change: c.2528A>G on transcript NM_022168.4 (MANE Select); coding-DNA position 2528, A replaced by G.
Protein change: p.His843Arg; replaces histidine 843 with arginine.
Molecular consequence: missense variant.
Genome position (GRCh38, 1-based): chr2:162,272,314, T>C on the plus strand (A>G on the coding strand, the complement: IFIH1 is on the minus strand). VCF-style: chr2-162272314-T-C. GRCh37 (hg19) VCF-style: chr2-163128824-T-C.
Other names: c.2528A>G, p.His843Arg (LRG_1235t1); short protein forms H843R.
Identifiers: ClinVar variation 261565 (VCV000261565.24), dbSNP rs3747517, ClinGen allele CA1934151.
Genomic context (GRCh38, chr2:162,272,314, plus strand): 5'-TTTTGAACACAATGTATAGCTTTATACATCATCTTCTCTCGGAAATCATTAACTGTCTCA[T>C]GTTCGATAACTCCTGAACCACTGTGAGCAACCAGGACGTAGGTGCTCTCATCAGCTCTGG-3'
Protein context (NP_071451.2, residues 833-853): VAHSGSGVIE[His843Arg]ETVNDFREKM